The following is an entry in ClinVar:

ClinVar aggregate classification (germline): Conflicting classifications of pathogenicity. Review status: criteria provided, conflicting classifications (1 of 4 stars). 5 submissions from 5 submitters: Likely pathogenic (2); Uncertain significance (3). Last evaluated 2025-06-16.

Conditions:
Arrhythmogenic cardiomyopathy with wooly hair and keratoderma. Also called: PALMOPLANTAR KERATODERMA WITH LEFT VENTRICULAR CARDIOMYOPATHY AND WOOLLY HAIR; Carvajal syndrome; Dilated cardiomyopathy with woolly hair and keratoderma; Arrhythmogenic cardiomyopathy with woolly hair and keratoderma. Identifiers: Orphanet 65282, MedGen C1854063, MONDO:0011581, OMIM 605676.
Arrhythmogenic right ventricular dysplasia 8 (ARVD8). Also called: Arrhythmogenic Right Ventricular Dysplasia/Cardiomyopathy 8; ARRHYTHMOGENIC RIGHT VENTRICULAR DYSPLASIA, FAMILIAL, 8; ARRHYTHMOGENIC RIGHT VENTRICULAR CARDIOMYOPATHY 8. Identifiers: MedGen C1843896, MONDO:0011831, OMIM 607450.
Cardiomyopathy (CMYO). Also called: Cardiomyopathies. Identifiers: Orphanet 167848, MedGen C0878544, MONDO:0004994, HP:0001638. Inheritance: Various modes of inheritance.
Cardiovascular phenotype. Identifiers: MedGen CN230736.

Allele frequency attached by ClinVar (database versions not stated): gnomAD 0.00003; TOPMed 0.00003.
gnomAD v4.1: 5 of 1,610,716 alleles (0.00031%); highest among the groups gnomAD compares: African/African-American, 0.004%; no homozygotes.

Submissions (5):

Mayo Clinic Laboratories, Mayo Clinic
Classification: Uncertain significance. Last evaluated: 2025-06-16. Review status: criteria provided, single submitter. Criteria: ACMG Guidelines, 2015. Collection method: clinical testing. Allele origin: germline. Observed: 1 variant allele.
Comment: PP3_moderate, PM3, PS3_supporting

Labcorp Genetics (formerly Invitae), Labcorp
Classification: Likely pathogenic for Arrhythmogenic cardiomyopathy with wooly hair and keratoderma; Arrhythmogenic right ventricular dysplasia 8. Last evaluated: 2025-01-23. Review status: criteria provided, single submitter. Criteria: Invitae Variant Classification Sherloc (09022015). Collection method: clinical testing. Allele origin: germline.
Comment: This sequence change replaces glycine, which is neutral and non-polar, with arginine, which is basic and polar, at codon 2375 of the DSP protein (p.Gly2375Arg). This variant is present in population databases (no rsID available, gnomAD 0.007%). This missense change has been observed in individuals with DSP-related conditions (PMID: 12875771, 30944905). It has also been observed to segregate with disease in related individuals. ClinVar contains an entry for this variant (Variation ID: 918368). An algorithm developed to predict the effect of missense changes on protein structure and function (PolyPhen-2) suggests that this variant is likely to be disruptive. Experimental studies have shown that this missense change affects DSP function (PMID: 29878302, 35008956). In summary, the currently available evidence indicates that the variant is pathogenic, but additional data are needed to prove that conclusively. Therefore, this variant has been classified as Likely Pathogenic.

All of Us Research Program, National Institutes of Health
Classification: Uncertain significance for Arrhythmogenic cardiomyopathy with wooly hair and keratoderma. Last evaluated: 2024-03-05. Review status: criteria provided, single submitter. Criteria: ACMG Guidelines, 2015. Collection method: clinical testing. Allele origin: germline. Inheritance: Autosomal dominant inheritance. Observed: 4 variant alleles, 4 heterozygotes.
Comment: This missense variant replaces glycine with arginine at codon 2375 of the DSP protein. Computational prediction suggests that this variant may have deleterious impact on protein structure and function (internally defined REVEL score threshold >= 0.7, PMID: 27666373). Functional studies have shown that this variant impairs the binding of the DSP protein to epidermal keratins and the muscle-specific intermediate filament desmin as well as the targeting of the protein to the intermediate filament cytoskeleton in transfected cells (PMID: 29878302, 35008956). Heterozygous individuals from this family were not affected. This variant has been identified in compound heterozygosity with a variant of uncertain clinical significance in two pediatric siblings affected with Carvajal syndrome, presenting with dilated cardiomyopathy, woolly hair and keratoderma. Both parents of these individuals were asymptomatic heterozygous carriers (PMID: 30944905). This variant has been identified in 2/31394 chromosomes in the general population by the Genome Aggregation Database (gnomAD). In summary, this variant has been associated with autosomal recessive conditions, however, the available evidence is insufficient to conclusively determine the pathogenicity of this variant in autosomal dominant cardiomyopathy. Therefore, this variant is classified as a Variant of Uncertain Significance.

This study involves interpretation of variants in research participants for the purpose of population health screening. Participant phenotype was not available at the time of variant classification. Additional details can be found in publication PMID: 35346344, PMCID: PMC8962531

Color Diagnostics, LLC DBA Color Health
Classification: Uncertain significance for Cardiomyopathy. Last evaluated: 2024-02-13. Review status: criteria provided, single submitter. Criteria: ACMG Guidelines, 2015. Collection method: clinical testing. Allele origin: germline.
Comment: This missense variant replaces glycine with arginine at codon 2375 of the DSP protein. Computational prediction tools indicate that this variant has a deleterious impact on protein structure and function. Functional studies have shown that this variant impairs the binding of the DSP protein to epidermal keratins and the muscle-specific intermediate filament desmin as well as the targeting of the protein to the intermediate filament cytoskeleton in transfected cells (PMID: 29878302, 35008956). This variant has been identified in homozygous state in one individual affected with familial autosomal recessive arrhythmogenic right ventricular cardiomyopathy, woolly hair and skin disorder (PMID: 12875771). Heterozygous individuals from this family were not affected. This variant has been identified in homozygous state in one individual affected with a localized form of autosomal recessive epidermolysis bullosa with wooly hair (PMID: 30011071). This variant has been identified in compound heterozygosity with a variant of uncertain clinical significance in two pediatric siblings affected with Carvajal syndrome, presenting with dilated cardiomyopathy, woolly hair and keratoderma. Both parents of these individuals were asymptomatic heterozygous carriers (PMID: 30944905). This variant has been identified in 2/31394 chromosomes in the general population by the Genome Aggregation Database (gnomAD). In summary, this variant has been associated with autosomal recessive conditions, however, the available evidence is insufficient to conclusively determine the pathogenicity of this variant in autosomal dominant cardiomyopathy. Therefore, this variant is classified as a Variant of Uncertain Significance.

Ambry Genetics
Classification: Likely pathogenic for Cardiovascular phenotype. Last evaluated: 2023-06-08. Review status: criteria provided, single submitter. Criteria: Ambry Variant Classification Scheme 2023. Collection method: clinical testing. Allele origin: germline.
Comment: The p.G2375R variant (also known as c.7123G>A), located in coding exon 24 of the DSP gene, results from a G to A substitution at nucleotide position 7123. The glycine at codon 2375 is replaced by arginine, an amino acid with dissimilar properties. This variant (in addition to c.7123G>C also resulting in p.G2375R) has been detected in the homozygous state in a proband with arrhythmogenic right ventricular cardiomyopathy, woolly hair, skin disorder, and family history of sudden death in relatives with similar skin and hair findings. Heterozygous carriers from the family were reportedly unaffected (Alcalai R et al. J Am Coll Cardiol, 2003 Jul;42:319-27). This variant has also been detected in the homozygous state in a proband with epidermolysis bullosa simplex and woolly hair (Nanda A et al. Int J Dermatol, 2018 Sep;57:1058-1067). This variant has been seen in the compound heterozygous state in trans with a second DSP variant with Carvajal syndrome, woolly hair, keratoderma, and dilated cardiomyopathy requiring transplant. A sibling with both variants had similar skin and hair findings (Yermakovich D et al. Acta Myol, 2018 Dec;37:263-266). Functional studies have indicated that this variant may impact normal protein function, including protein binding interactions (Favre B et al. Br J Dermatol, 2018 Sep;179:797-799; Mohammed F et al. Int J Mol Sci, 2022 Jan;23). This amino acid position is highly conserved in available vertebrate species. In addition, this alteration is predicted to be deleterious by in silico analysis. Based on the majority of available evidence to date, this variant is likely to be pathogenic.

Literature cited by the submitters: PubMed 12875771 (cited by 5 submitters); PubMed 29878302 (cited by 5 submitters); PubMed 30011071 (cited by 4 submitters); PubMed 30944905 (cited by 5 submitters); PubMed 35008956 (cited by 5 submitters).

NM_004415.4(DSP):c.7123G>A (p.Gly2375Arg)

Gene: DSP (desmoplakin; plus strand). Cytogenetic location: 6p24.3.
Variant type: single nucleotide variant.
Coding change: c.7123G>A on transcript NM_004415.4 (MANE Select); coding-DNA position 7123, G replaced by A.
Protein change: p.Gly2375Arg; replaces glycine 2375 with arginine.
Molecular consequence: missense variant.
Genome position (GRCh38, 1-based): chr6:7,584,385, G>A. VCF-style: chr6-7584385-G-A. GRCh37 (hg19) VCF-style: chr6-7584618-G-A.
Other names: p.Gly2375Arg; c.5326G>A, p.Gly1776Arg (NM_001008844.3); c.5794G>A, p.Gly1932Arg (NM_001319034.2); short protein forms G1932R, G2375R, G1776R.
Identifiers: ClinVar variation 918368 (VCV000918368.15), dbSNP rs376923069, ClinGen allele CA133975688.